The following is an entry in ClinVar:

NM_021098.3(CACNA1H):c.4316C>T (p.Ala1439Val)

Gene: CACNA1H (calcium voltage-gated channel subunit alpha1 H; plus strand). Cytogenetic location: 16p13.3.
Variant type: single nucleotide variant.
Coding change: c.4316C>T on transcript NM_021098.3 (MANE Select); coding-DNA position 4316, C replaced by T.
Protein change: p.Ala1439Val; replaces alanine 1439 with valine.
Molecular consequence: missense variant.
Genome position (GRCh38, 1-based): chr16:1,211,260, C>T. VCF-style: chr16-1211260-C-T. GRCh37 (hg19) VCF-style: chr16-1261260-C-T.
Other names: c.4316C>T, p.Ala1439Val (NM_001005407.2); short protein forms A1439V.
Identifiers: ClinVar variation 579189 (VCV000579189.8), dbSNP rs1379672193, ClinGen allele CA394178471.

ClinVar aggregate classification (germline): Uncertain significance (1 of 4 stars; one submission).

Conditions:
Idiopathic generalized epilepsy. Also called: Generalised epilepsy; EIG. Identifiers: MedGen C0270850, MONDO:0005579, OMIM 600669.
Hyperaldosteronism, familial, type IV (HALD4). Also called: FH IV; ALDOSTERONISM, PRIMARY, AND HYPERTENSION. Identifiers: Orphanet 642671, MedGen C4310756, MONDO:0014875, OMIM 617027.

gnomAD v4.1: 5 of 1,613,154 alleles (0.00031%); highest among the groups gnomAD compares: Middle Eastern, 0.017%; no homozygotes.

Submission:

Labcorp Genetics (formerly Invitae), Labcorp
Classification: Uncertain significance for Idiopathic generalized epilepsy; Hyperaldosteronism, familial, type IV. Last evaluated: 2020-02-15. Review status: criteria provided, single submitter. Criteria: Invitae Variant Classification Sherloc (09022015). Collection method: clinical testing. Allele origin: germline.
Comment: This sequence change replaces alanine with valine at codon 1439 of the CACNA1H protein (p.Ala1439Val). The alanine residue is highly conserved and there is a small physicochemical difference between alanine and valine. This variant is not present in population databases (ExAC no frequency). This variant has not been reported in the literature in individuals with CACNA1H-related disease. Algorithms developed to predict the effect of missense changes on protein structure and function (SIFT, PolyPhen-2, Align-GVGD) all suggest that this variant is likely to be disruptive, but these predictions have not been confirmed by published functional studies and their clinical significance is uncertain. In summary, the available evidence is currently insufficient to determine the role of this variant in disease. Therefore, it has been classified as a Variant of Uncertain Significance.